The following is an entry in ClinVar:

NM_000059.4(BRCA2):c.5465dup (p.Asn1822fs)

Gene: BRCA2 (BRCA2 DNA repair associated; plus strand). Cytogenetic location: 13q13.1.
Variant type: Duplication.
Coding change: c.5465dup on transcript NM_000059.4 (MANE Select); coding-DNA position 5465, one base duplicated (A; older notation c.5465dupA).
Protein change: p.Asn1822fs; shifts the reading frame from asparagine 1822.
Molecular consequence: frameshift variant.
Genome position (GRCh38, 1-based): chr13:32,339,820, A duplicated; the last of 5 consecutive A bases (chr13:32,339,816-32,339,820); duplicating any one gives the same sequence. VCF-style (leftmost placement, unchanged base first): chr13-32339815-C-CA. GRCh37 (hg19) VCF-style: chr13-32913952-C-CA.
Other names: c.5465dupA (NM_000059.3); short protein forms N1822fs.
Identifiers: ClinVar variation 420664 (VCV000420664.5), dbSNP rs1555284237, ClinGen allele CA16619726.

ClinVar aggregate classification (germline): Pathogenic. Review status: reviewed by expert panel (3 of 4 stars). 3 submissions from 3 submitters: Pathogenic (1). 2 of the submissions do not count toward it. Last evaluated 2017-12-15.

Conditions:
Breast-ovarian cancer, familial, susceptibility to, 2 (BROVCA2). Also called: BRCA2 Hereditary Breast and Ovarian Cancer. Identifiers: Orphanet 145, MedGen C2675520, MONDO:0012933, OMIM 612555. Disease mechanism: loss of function.
Familial cancer of breast. Also called: hereditary breast carcinoma; Hereditary breast cancer; BREAST CANCER, FAMILIAL. Identifiers: Orphanet 227535, MedGen C0346153, MONDO:0016419, OMIM 114480. Disease mechanism: loss of function.

Submissions (3):

Evidence-based Network for the Interpretation of Germline Mutant Alleles (ENIGMA)
Classification: Pathogenic for Breast-ovarian cancer, familial, susceptibility to, 2. Last evaluated: 2017-12-15. Review status: reviewed by expert panel. Criteria: ENIGMA BRCA1/2 Classification Criteria (2017-06-29). Collection method: curation. Allele origin: germline. Study: ENIGMA.
Comment: Variant allele predicted to encode a truncated non-functional protein.

Baylor Genetics
Classification: Pathogenic for Familial cancer of breast. Last evaluated: 2023-02-19. Review status: criteria provided, single submitter. Criteria: ACMG Guidelines, 2015. Collection method: clinical testing. Allele origin: unknown. Not counted in ClinVar's aggregate classification.

GeneDx
Classification: Pathogenic. Last evaluated: 2016-10-03. Review status: criteria provided, single submitter. Criteria: GeneDx Variant Classification (06012015). Collection method: clinical testing. Allele origin: germline. Affected: yes. Not counted in ClinVar's aggregate classification.
Comment: This duplication of one nucleotide in BRCA2 is denoted c.5465dupA at the cDNA level and p.Asn1822LysfsX2 (N1822KfsX2) at the protein level. Using alternate nomenclature, this variant would be defined as BRCA2 c.5693dupA. The normal sequence, with the base that is duplicated in braces, is CAAAA[A]TAAA. The duplication causes a frameshift which changes an Asparagine to a Lysine at codon 1822, and creates a premature stop codon at position 2 of the new reading frame. Although this variant has not, to our knowledge, been reported in the literature, it is predicted to cause loss of normal protein function through either protein truncation or nonsense-mediated mRNA decay. We consider this variant to be pathogenic.